The following is an entry in ClinVar:

ClinVar aggregate classification (germline): Uncertain significance (1 of 4 stars; one submission).

Conditions:
Ichthyosis linearis circumflexa. Identifiers: MedGen C0265962, MONDO:0043106, HP:0025810.

Allele frequency attached by ClinVar (database versions not stated): gnomAD exomes 0.00002; ExAC 0.00005.
gnomAD v4.1: 9 of 1,614,216 alleles (0.00056%); highest among the groups gnomAD compares: Admixed American, 0.0067%; no homozygotes.

Submission:

Labcorp Genetics (formerly Invitae), Labcorp
Classification: Uncertain significance for Ichthyosis linearis circumflexa. Last evaluated: 2024-01-04. Review status: criteria provided, single submitter. Criteria: Invitae Variant Classification Sherloc (09022015). Collection method: clinical testing. Allele origin: germline.
Comment: This sequence change replaces isoleucine, which is neutral and non-polar, with valine, which is neutral and non-polar, at codon 923 of the SPINK5 protein (p.Ile923Val). This variant is present in population databases (rs758950804, gnomAD 0.01%). This variant has not been reported in the literature in individuals affected with SPINK5-related conditions. Advanced modeling of protein sequence and biophysical properties (such as structural, functional, and spatial information, amino acid conservation, physicochemical variation, residue mobility, and thermodynamic stability) performed at Invitae indicates that this missense variant is not expected to disrupt SPINK5 protein function with a negative predictive value of 80%. In summary, the available evidence is currently insufficient to determine the role of this variant in disease. Therefore, it has been classified as a Variant of Uncertain Significance.

NM_006846.4(SPINK5):c.2767A>G (p.Ile923Val)

Gene: SPINK5 (serine peptidase inhibitor Kazal type 5; plus strand). Cytogenetic location: 5q32.
Variant type: single nucleotide variant.
Coding change: c.2767A>G on transcript NM_006846.4 (MANE Select); coding-DNA position 2767, A replaced by G.
Protein change: p.Ile923Val; replaces isoleucine 923 with valine.
Molecular consequence: missense variant.
Genome position (GRCh38, 1-based): chr5:148,125,750, A>G. VCF-style: chr5-148125750-A-G. GRCh37 (hg19) VCF-style: chr5-147505313-A-G.
Other names: c.2857A>G, p.Ile953Val (NM_001127698.2); short protein forms I923V, I953V.
Identifiers: ClinVar variation 2977490 (VCV002977490.3), dbSNP rs758950804, ClinGen allele CA3496140.